The following is an entry in ClinVar:

ClinVar aggregate classification (germline): Benign. Review status: criteria provided, multiple submitters, no conflicts (2 of 4 stars). 3 submissions from 3 submitters: Benign (3). Last evaluated 2024-01-24.

Allele frequency attached by ClinVar (database versions not stated): TOPMed 0.78148; gnomAD 0.78436 and 0.79097; gnomAD exomes 0.79691; 1000 Genomes Project 30x 0.84010; 1000 Genomes Project 0.84645.
gnomAD v4.1: 833,315 of 1,047,690 alleles (80%); highest among the groups gnomAD compares: East Asian, 99%; 333,930 homozygotes.

Submissions (3):

Unidad de Genómica Garrahan, Hospital de Pediatría Garrahan
Classification: Benign. Last evaluated: 2024-01-24. Review status: criteria provided, single submitter. Criteria: ACMG Guidelines, 2015. Collection method: clinical testing. Allele origin: germline. Affected: no. Observed: 83 variant alleles.
Comment: This variant is classified as Benign based on local population frequency. This variant was detected in 94% of patients studied by a panel of primary immunodeficiencies. Number of patients: 83. Only high quality variants are reported.

GeneDx
Classification: Benign. Last evaluated: 2018-11-12. Review status: criteria provided, single submitter. Criteria: GeneDx Variant Classification Process June 2021. Collection method: clinical testing. Allele origin: germline. Affected: yes.

Breakthrough Genomics
Classification: Benign. Review status: criteria provided, single submitter. Criteria: ACMG Guidelines, 2015. Collection method: not provided. Allele origin: germline. Inheritance: Autosomal recessive inheritance. Affected: yes.

NM_181078.3(IL21R):c.-16-94A>G

Gene: IL21R (interleukin 21 receptor; plus strand). Cytogenetic location: 16p12.1.
Variant type: single nucleotide variant.
Coding change: c.-16-94A>G on transcript NM_181078.3 (MANE Select); 94 bases into the intron before 16 bases upstream of the start codon, A replaced by G.
Molecular consequence: intron variant.
Genome position (GRCh38, 1-based): chr16:27,429,962, A>G. VCF-style: chr16-27429962-A-G. GRCh37 (hg19) VCF-style: chr16-27441283-A-G.
Other names: c.51-94A>G (NM_181079.5); c.-16-94A>G (NM_021798.4).
Identifiers: ClinVar variation 1241251 (VCV001241251.5), dbSNP rs179760, ClinGen allele CA16521750.